The following is an entry in ClinVar:

NM_004656.4(BAP1):c.964C>G (p.Gln322Glu)

Gene: BAP1 (BRCA1 associated deubiquitinase 1; minus strand). Cytogenetic location: 3p21.1.
Variant type: single nucleotide variant.
Coding change: c.964C>G on transcript NM_004656.4 (MANE Select); coding-DNA position 964, C replaced by G.
Protein change: p.Gln322Glu; replaces glutamine 322 with glutamic acid.
Molecular consequence: missense variant.
Genome position (GRCh38, 1-based): chr3:52,405,262, G>C on the plus strand (C>G on the coding strand, the complement: BAP1 is on the minus strand). VCF-style: chr3-52405262-G-C. GRCh37 (hg19) VCF-style: chr3-52439278-G-C.
Other names: short protein forms Q322E.
Identifiers: ClinVar variation 921155 (VCV000921155.6), dbSNP rs1705113314, ClinGen allele CA353106210.
Genomic context (GRCh38, chr3:52,405,262, plus strand): 5'-TGCTGCCTGGAGGCTTCACCACTAGCTTGGGTTTGTTGGGAGGGCTGTGGGATGGGGCTT[G>C]TGCGCATGAACCAGCCGCCTCCTCTGCACCATCTGAGACAGGGCAAGAACACAGGCAGGA-3'
Protein context (NP_004647.1, residues 312-332): GAEEAAGSCA[Gln322Glu]APSHSPPNKP

ClinVar aggregate classification (germline): Uncertain significance. Review status: criteria provided, multiple submitters, no conflicts (2 of 4 stars). 2 submissions from 2 submitters: Uncertain significance (2). Last evaluated 2025-10-01.

Conditions:
BAP1-related tumor predisposition syndrome (TPDS1). Also called: Tumor susceptibility linked to germline BAP1 mutations; COMMON Syndrome; TUMOR PREDISPOSITION SYNDROME 1; BAP1 tumor predisposition syndrome. Identifiers: Orphanet 289539, MedGen C3280492, MONDO:0013692, OMIM 614327.
Hereditary cancer-predisposing syndrome. Also called: Neoplastic Syndromes, Hereditary; Tumor predisposition; Hereditary Cancer Syndrome; Hereditary neoplastic syndrome. Identifiers: Orphanet 140162, MedGen C0027672, MeSH D009386, MONDO:0015356.

Submissions (2):

Labcorp Genetics (formerly Invitae), Labcorp
Classification: Uncertain significance for BAP1-related tumor predisposition syndrome. Last evaluated: 2025-10-01. Review status: criteria provided, single submitter. Criteria: Invitae Variant Classification Sherloc (09022015). Collection method: clinical testing. Allele origin: germline.
Comment: This sequence change replaces glutamine, which is neutral and polar, with glutamic acid, which is acidic and polar, at codon 322 of the BAP1 protein (p.Gln322Glu). This variant is not present in population databases (gnomAD no frequency). This variant has not been reported in the literature in individuals affected with BAP1-related conditions. ClinVar contains an entry for this variant (Variation ID: 921155). Invitae Evidence Modeling of protein sequence and biophysical properties (such as structural, functional, and spatial information, amino acid conservation, physicochemical variation, residue mobility, and thermodynamic stability) indicates that this missense variant is not expected to disrupt BAP1 protein function with a negative predictive value of 80%. In summary, the available evidence is currently insufficient to determine the role of this variant in disease. Therefore, it has been classified as a Variant of Uncertain Significance.

Color Diagnostics, LLC DBA Color Health
Classification: Uncertain significance for Hereditary cancer-predisposing syndrome. Last evaluated: 2023-12-05. Review status: criteria provided, single submitter. Criteria: ACMG Guidelines, 2015. Collection method: clinical testing. Allele origin: germline.
Comment: This missense variant replaces glutamine with glutamic acid at codon 322 of the BAP1 protein. Computational prediction suggests that this variant may not impact protein structure and function (internally defined REVEL score threshold <= 0.5, PMID: 27666373). To our knowledge, functional studies have not been reported for this variant. This variant has not been reported in individuals affected with BAP1-related disorders in the literature. This variant has not been identified in the general population by the Genome Aggregation Database (gnomAD). The available evidence is insufficient to determine the role of this variant in disease conclusively. Therefore, this variant is classified as a Variant of Uncertain Significance.